The following is an entry in ClinVar:

NM_005026.5(PIK3CD):c.1459G>A (p.Ala487Thr)

Genes: PIK3CD (phosphatidylinositol-4,5-bisphosphate 3-kinase catalytic subunit delta; plus strand), LOC126805612 (MED14-independent group 3 enhancer GRCh37_chr1:9778914-9780113; plus strand). Cytogenetic location: 1p36.22.
Variant type: single nucleotide variant.
Coding change: c.1459G>A on transcript NM_005026.5 (MANE Select); coding-DNA position 1459, G replaced by A.
Protein change: p.Ala487Thr; replaces alanine 487 with threonine.
Molecular consequence: missense variant.
Genome position (GRCh38, 1-based): chr1:9,720,231, G>A. VCF-style: chr1-9720231-G-A. GRCh37 (hg19) VCF-style: chr1-9780289-G-A.
Other names: p.Ala487Thr; NM_005026.5(PIK3CD):c.1459G>A; c.1459G>A, p.Ala487Thr (NM_001350234.2); c.1372G>A, p.Ala458Thr (NM_001350235.1); short protein forms A458T, A487T.
Identifiers: ClinVar variation 941354 (VCV000941354.21), dbSNP rs201282174, ClinGen allele CA577199.

ClinVar aggregate classification (germline): Likely benign. Review status: reviewed by expert panel (3 of 4 stars). 6 submissions from 6 submitters: Likely benign (1). 5 of the submissions do not count toward it. Last evaluated 2025-12-19.

Conditions:
Combined immunodeficiency with faciooculoskeletal anomalies. Also called: COMBINED IMMUNODEFICIENCY, FACIAL DYSMORPHISM, OPTIC NERVE ATROPHY, SKELETAL ANOMALIES, AND DEVELOPMENTAL DELAY; Roifman-Chitayat syndrome; Roifman-Chitayat syndrome, digenic. Identifiers: Orphanet 221139, MedGen C2750068, MONDO:0013226, OMIM 613328.
Immunodeficiency 14b, autosomal recessive. Identifiers: MedGen C5543301, MONDO:0023655, OMIM 619281.
Immunodeficiency 14 (IMD14A). Also called: p110-DELTA-ACTIVATING MUTATION CAUSING SENESCENT T CELLS, LYMPHADENOPATHY, AND IMMUNODEFICIENCY; Activated PI3K Delta Syndrome Type 1 (APDS1); ACTIVATED PI3K-DELTA SYNDROME 1; IMMUNODEFICIENCY 14A WITH LYMPHOPROLIFERATION, AUTOSOMAL DOMINANT. Identifiers: Orphanet 397596, Orphanet 693661, MedGen C5907821, MONDO:0014222, OMIM 615513.

Allele frequency attached by ClinVar (database versions not stated): ESP Exome Variant Server 0.00008; ExAC 0.00012; gnomAD 0.00013 and 0.00014; TOPMed 0.00015.
gnomAD v4.1: 148 of 1,605,990 alleles (0.0092%); highest among the groups gnomAD compares: African/African-American, 0.045%; no homozygotes.

Submissions (6):

ClinGen Primary Immune Regulatory Disorders Variant Curation Expert Panel, ClinGen
Classification: Likely benign for Immunodeficiency 14. Last evaluated: 2025-12-19. Review status: reviewed by expert panel. Criteria: ClinGen AbDef ACMG Specifications PIK3CD V1.0.0. Collection method: curation. Allele origin: germline. Inheritance: Autosomal dominant inheritance.
Comment: NM_005026.5(PIK3CD):c.1459G>A (p.Ala487Thr) is a missense variant causing substitution of alanine by threonine at amino acid 487. This variant is present in gnomAD v.4.1.0 at a GrpMax allele frequency of 0.0003342, with 34 alleles / 74,792 total alleles in the African/African American population, which is higher than the ClinGen Antibody Deficiencies VCEP BS1 threshold of >0.000316 (BS1). This variant has not been published in association with any patients with immunodeficiency 14. The computational predictor REVEL gives a score of 0.040, which is below the ClinGen Antibody Deficiencies VCEP threshold of <0.290 and predicts a non-damaging effect on PIK3CD function. The computational predictor CADD gives a PHRED score of 8.481, which is below the ClinGen Antibody Deficiencies VCEP threshold of <22.7 and predicts a non-deleterious effect on PIK3CD function. The two predictors agree on a non-damaging effect (BP4). In summary, this variant meets the criteria to be classified as likely benign for autosomal dominant immunodeficiency 14 based on the ACMG/AMP criteria applied, as specified by the ClinGen Antibody Deficiencies VCEP: BA1 and BP4. (VCEP specifications version 1.0.0).

Labcorp Genetics (formerly Invitae), Labcorp
Classification: Likely benign for Activated PI3K-delta syndrome. Last evaluated: 2025-11-06. Review status: criteria provided, single submitter. Criteria: Invitae Variant Classification Sherloc (09022015). Collection method: clinical testing. Allele origin: germline. Not counted in ClinVar's aggregate classification.

CeGaT Center for Human Genetics Tuebingen
Classification: Uncertain significance. Last evaluated: 2025-08-01. Review status: criteria provided, single submitter. Criteria: CeGaT Center For Human Genetics Tuebingen Variant Classification Criteria Version 2. Collection method: clinical testing. Allele origin: germline. Affected: yes. Observed: 1 variant allele. Not counted in ClinVar's aggregate classification.
Comment: PIK3CD: PM2, BP4

Mayo Clinic Laboratories, Mayo Clinic
Classification: Uncertain significance. Last evaluated: 2024-05-29. Review status: criteria provided, single submitter. Criteria: ACMG Guidelines, 2015. Collection method: clinical testing. Allele origin: germline. Observed: 1 variant allele. Not counted in ClinVar's aggregate classification.
Comment: BP4

Department of Pathology and Laboratory Medicine, Sinai Health System
Classification: Uncertain significance for Combined immunodeficiency with faciooculoskeletal anomalies; Immunodeficiency 14; Immunodeficiency 14b, autosomal recessive. Last evaluated: 2021-07-30. Review status: criteria provided, single submitter. Criteria: ACMG Guidelines, 2015. Collection method: research. Allele origin: germline. Not counted in ClinVar's aggregate classification.

GeneDx
Classification: Uncertain significance. Last evaluated: 2019-04-02. Review status: criteria provided, single submitter. Criteria: GeneDx Variant Classification Process June 2021. Collection method: clinical testing. Allele origin: germline. Affected: yes. Not counted in ClinVar's aggregate classification.
Comment: In silico analysis, which includes protein predictors and evolutionary conservation, supports that this variant does not alter protein structure/function; Has not been previously published as pathogenic or benign to our knowledge